The following is an entry in ClinVar:

ClinVar aggregate classification (germline): Uncertain significance (1 of 4 stars; one submission).

Allele frequency attached by ClinVar (database versions not stated): gnomAD exomes below 0.00001.
gnomAD v4.1: 3 of 1,613,764 alleles (0.00019%); highest among the groups gnomAD compares: Admixed American, 0.0017%; no homozygotes.

Submission:

Labcorp Genetics (formerly Invitae), Labcorp
Classification: Uncertain significance. Last evaluated: 2024-02-24. Review status: criteria provided, single submitter. Criteria: Invitae Variant Classification Sherloc (09022015). Collection method: clinical testing. Allele origin: germline.
Comment: This sequence change replaces alanine, which is neutral and non-polar, with valine, which is neutral and non-polar, at codon 746 of the SEMA4A protein (p.Ala746Val). This variant is present in population databases (no rsID available, gnomAD 0.003%). This variant has not been reported in the literature in individuals affected with SEMA4A-related conditions. ClinVar contains an entry for this variant (Variation ID: 1507477). Algorithms developed to predict the effect of missense changes on protein structure and function output the following: SIFT: "Not Available"; PolyPhen-2: "Benign"; Align-GVGD: "Not Available". The valine amino acid residue is found in multiple mammalian species, which suggests that this missense change does not adversely affect protein function. In summary, the available evidence is currently insufficient to determine the role of this variant in disease. Therefore, it has been classified as a Variant of Uncertain Significance.

NM_022367.4(SEMA4A):c.2237C>T (p.Ala746Val)

Gene: SEMA4A (semaphorin 4A; plus strand). Cytogenetic location: 1q22.
Variant type: single nucleotide variant.
Coding change: c.2237C>T on transcript NM_022367.4 (MANE Select); coding-DNA position 2237, C replaced by T.
Protein change: p.Ala746Val; replaces alanine 746 with valine.
Molecular consequence: missense variant.
Genome position (GRCh38, 1-based): chr1:156,176,948, C>T. VCF-style: chr1-156176948-C-T. GRCh37 (hg19) VCF-style: chr1-156146739-C-T.
Other names: c.2237C>T, p.Ala746Val (NM_001193300.2, NM_001193301.2, NM_001370567.1); c.1841C>T, p.Ala614Val (NM_001193302.2); c.1940C>T, p.Ala647Val (NM_001370568.1); c.1730C>T, p.Ala577Val (NM_001370569.1, NM_001370571.1); short protein forms A647V, A614V, A746V, A577V.
Identifiers: ClinVar variation 1507477 (VCV001507477.6), dbSNP rs1480640971, ClinGen allele CA342813938.
Genomic context (GRCh38, chr1:156,176,948, plus strand): 5'-AGAAGGCCCCGTTAAGCAGAGAGCAACACCTCCAGTCTCCCAAGGAATGCAGGACCTCTG[C>T]CAGTGATGTGGACGCTGACAACAACTGCCTAGGCACTGAGGTAGCTTAAACTCTAGGCAC-3'
Protein context (NP_071762.2, residues 736-756): LQSPKECRTS[Ala746Val]SDVDADNNCL